The following is an entry in ClinVar:

NM_007289.4(MME):c.472C>T (p.Leu158Phe)

Gene: MME (membrane metalloendopeptidase; plus strand). Cytogenetic location: 3q25.2.
Variant type: single nucleotide variant.
Coding change: c.472C>T on transcript NM_007289.4 (MANE Select); coding-DNA position 472, C replaced by T.
Protein change: p.Leu158Phe; replaces leucine 158 with phenylalanine.
Molecular consequence: missense variant.
Genome position (GRCh38, 1-based): chr3:155,116,696, C>T. VCF-style: chr3-155116696-C-T. GRCh37 (hg19) VCF-style: chr3-154834485-C-T.
Other names: c.472C>T, p.Leu158Phe (NM_000902.5, NM_001354642.2, NM_001354643.1 and 2 more transcripts); short protein forms L158F.
Identifiers: ClinVar variation 4625082 (VCV004625082.1).

ClinVar aggregate classification (germline): Uncertain significance (1 of 4 stars; one submission).

Conditions:
Inborn genetic diseases. Identifiers: MedGen C0950123, MeSH D030342.

gnomAD v4.1: 4 of 1,613,174 alleles (0.00025%); highest among the groups gnomAD compares: African/African-American, 0.004%; no homozygotes.

Submission:

Ambry Genetics
Classification: Uncertain significance for Inborn genetic diseases. Last evaluated: 2025-10-21. Review status: criteria provided, single submitter. Criteria: Ambry Variant Classification Scheme 2023. Collection method: clinical testing. Allele origin: germline.
Comment: The c.472C>T (p.L158F) alteration is located in exon 6 (coding exon 5) of the MME gene. This alteration results from a C to T substitution at nucleotide position 472, causing the leucine (L) at amino acid position 158 to be replaced by a phenylalanine (F). Based on data from gnomAD, the T allele has an overall frequency of 0.003% (1/31290) total alleles studied. The highest observed frequency was 0.012% (1/8708) of African alleles. Based on insufficient or conflicting evidence, the clinical significance of this alteration remains unclear.